The following is an entry in ClinVar:

NM_015046.7(SETX):c.5587A>T (p.Thr1863Ser)

Gene: SETX (senataxin; minus strand). Cytogenetic location: 9q34.13.
Variant type: single nucleotide variant.
Coding change: c.5587A>T on transcript NM_015046.7 (MANE Select); coding-DNA position 5587, A replaced by T.
Protein change: p.Thr1863Ser; replaces threonine 1863 with serine.
Molecular consequence: missense variant.
Genome position (GRCh38, 1-based): chr9:132,298,274, T>A on the plus strand (A>T on the coding strand, the complement: SETX is on the minus strand). VCF-style: chr9-132298274-T-A. GRCh37 (hg19) VCF-style: chr9-135173661-T-A.
Other names: c.5587A>T, p.Thr1863Ser (NM_001351527.2, NM_001351528.2); short protein forms T1863S.
Identifiers: ClinVar variation 2954329 (VCV002954329.3), dbSNP rs758828203, ClinGen allele CA375346733.

ClinVar aggregate classification (germline): Uncertain significance (1 of 4 stars; one submission).

Conditions:
Amyotrophic lateral sclerosis type 4 (ALS4). Also called: NEURONOPATHY, DISTAL HEREDITARY MOTOR, WITH PYRAMIDAL FEATURES; AMYOTROPHIC LATERAL SCLEROSIS 4, JUVENILE. Identifiers: Orphanet 357043, MedGen C1865409, MONDO:0011223, OMIM 602433.
Spinocerebellar ataxia, autosomal recessive, with axonal neuropathy 2 (SCAN2). Also called: Ataxia-ocular apraxia-2; Ataxia with Oculomotor Apraxia Type 2; Ataxia with Oculomotor Apraxia; ATAXIA-OCULOMOTOR APRAXIA 2. Identifiers: Orphanet 64753, MedGen C1853761, MONDO:0018996, OMIM 606002.

Submission:

Labcorp Genetics (formerly Invitae), Labcorp
Classification: Uncertain significance for Amyotrophic lateral sclerosis type 4; Spinocerebellar ataxia, autosomal recessive, with axonal neuropathy 2. Last evaluated: 2023-12-01. Review status: criteria provided, single submitter. Criteria: Invitae Variant Classification Sherloc (09022015). Collection method: clinical testing. Allele origin: germline.
Comment: This sequence change replaces threonine, which is neutral and polar, with serine, which is neutral and polar, at codon 1863 of the SETX protein (p.Thr1863Ser). This variant is not present in population databases (gnomAD no frequency). This variant has not been reported in the literature in individuals affected with SETX-related conditions. Advanced modeling of protein sequence and biophysical properties (such as structural, functional, and spatial information, amino acid conservation, physicochemical variation, residue mobility, and thermodynamic stability) performed at Invitae indicates that this missense variant is not expected to disrupt SETX protein function with a negative predictive value of 95%. In summary, the available evidence is currently insufficient to determine the role of this variant in disease. Therefore, it has been classified as a Variant of Uncertain Significance.